The following is an entry in ClinVar:

ClinVar aggregate classification (germline): Uncertain significance (1 of 4 stars; one submission).

Conditions:
Propionic acidemia (PROP). Also called: GLYCINEMIA, KETOTIC; HYPERGLYCINEMIA WITH KETOACIDOSIS AND LEUKOPENIA; KETOTIC HYPERGLYCINEMIA. Identifiers: Orphanet 35, MedGen C0268579, MONDO:0011628, OMIM 606054, HP:0003571.

Allele frequency attached by ClinVar (database versions not stated): gnomAD exomes below 0.00001; TOPMed 0.00001.
gnomAD v4.1: 1 of 1,610,344 alleles (0.000062%); highest among the groups gnomAD compares: African/African-American, 0.0013%; no homozygotes.

Submission:

Labcorp Genetics (formerly Invitae), Labcorp
Classification: Uncertain significance for Propionic acidemia. Last evaluated: 2024-10-25. Review status: criteria provided, single submitter. Criteria: Invitae Variant Classification Sherloc (09022015). Collection method: clinical testing. Allele origin: germline.
Comment: This sequence change replaces arginine, which is basic and polar, with threonine, which is neutral and polar, at codon 612 of the PCCA protein (p.Arg612Thr). This variant is not present in population databases (gnomAD no frequency). This variant has not been reported in the literature in individuals affected with PCCA-related conditions. ClinVar contains an entry for this variant (Variation ID: 1439643). Invitae Evidence Modeling of protein sequence and biophysical properties (such as structural, functional, and spatial information, amino acid conservation, physicochemical variation, residue mobility, and thermodynamic stability) has been performed for this missense variant. However, the output from this modeling did not meet the statistical confidence thresholds required to predict the impact of this variant on PCCA protein function. In summary, the available evidence is currently insufficient to determine the role of this variant in disease. Therefore, it has been classified as a Variant of Uncertain Significance.

NM_000282.4(PCCA):c.1835G>C (p.Arg612Thr)

Gene: PCCA (propionyl-CoA carboxylase subunit alpha; plus strand). Cytogenetic location: 13q32.3.
Variant type: single nucleotide variant.
Coding change: c.1835G>C on transcript NM_000282.4 (MANE Select); coding-DNA position 1835, G replaced by C.
Protein change: p.Arg612Thr; replaces arginine 612 with threonine.
Molecular consequence: missense variant. On other transcripts: non-coding transcript variant (5).
Genome position (GRCh38, 1-based): chr13:100,425,721, G>C. VCF-style: chr13-100425721-G-C. GRCh37 (hg19) VCF-style: chr13-101077975-G-C.
Other names: c.1757G>C, p.Arg586Thr (NM_001127692.3, NM_001352607.2); c.1835G>C, p.Arg612Thr (NM_001178004.2, NM_001352605.2, NM_001352609.2); c.1691G>C, p.Arg564Thr (NM_001352606.2); c.1613G>C, p.Arg538Thr (NM_001352608.2); c.890G>C, p.Arg297Thr (NM_001352610.2, NM_001352611.2); c.746G>C, p.Arg249Thr (NM_001352612.2); short protein forms R297T, R612T, R249T, R564T, R538T, R586T.
Identifiers: ClinVar variation 1439643 (VCV001439643.8), dbSNP rs1947530469, ClinGen allele CA388696909.